The following is an entry in ClinVar:

NM_030665.4(RAI1):c.1516C>T (p.Gln506Ter)

Gene: RAI1 (retinoic acid induced 1; plus strand). Cytogenetic location: 17p11.2.
Variant type: single nucleotide variant.
Coding change: c.1516C>T on transcript NM_030665.4 (MANE Select); coding-DNA position 1516, C replaced by T.
Protein change: p.Gln506Ter; replaces glutamine 506 with a stop codon.
Molecular consequence: nonsense.
Genome position (GRCh38, 1-based): chr17:17,794,464, C>T. VCF-style: chr17-17794464-C-T. GRCh37 (hg19) VCF-style: chr17-17697778-C-T.
Other names: short protein forms Q506*.
Identifiers: ClinVar variation 3897599 (VCV003897599.1).

ClinVar aggregate classification (germline): Pathogenic (1 of 4 stars; one submission).

Conditions:
Smith-Magenis syndrome (SMS). Also called: CHROMOSOME 17p11.2 DELETION SYNDROME. Identifiers: Orphanet 819, MedGen C0795864, MONDO:0008434, OMIM 182290.

Submission:

Genetics Laboratory, UDIAT-Centre Diagnòstic, Hospital Universitari Parc Tauli
Classification: Pathogenic for Smith-Magenis syndrome. Last evaluated: 2022-10-04. Review status: criteria provided, single submitter. Criteria: ACMG Guidelines, 2015. Collection method: clinical testing. Allele origin: unknown. Inheritance: Autosomal dominant inheritance. Affected: yes.
Comment: PVS1_very strong;PM2_supporting;PM6_moderate